The following is an entry in ClinVar:

ClinVar aggregate classification (germline): Likely benign (1 of 4 stars; one submission).

Allele frequency attached by ClinVar (database versions not stated): gnomAD 0.00512 and 0.00558; 1000 Genomes Project 30x 0.00562; TOPMed 0.00576; 1000 Genomes Project 0.00579.
gnomAD v4.1: 779 of 152,326 alleles (0.51%); highest among the groups gnomAD compares: African/African-American, 1.7%; 7 homozygotes.

Submission:

GeneDx
Classification: Likely benign. Last evaluated: 2018-06-14. Review status: criteria provided, single submitter. Criteria: GeneDx Variant Classification (06012015). Collection method: clinical testing. Allele origin: germline. Affected: yes.
Comment: This variant is considered likely benign or benign based on one or more of the following criteria: it is a conservative change, it occurs at a poorly conserved position in the protein, it is predicted to be benign by multiple in silico algorithms, and/or has population frequency not consistent with disease.

NM_001256545.2(MEGF10):c.413-267A>G

Gene: MEGF10 (multiple EGF like domains 10; plus strand). Cytogenetic location: 5q23.2.
Variant type: single nucleotide variant.
Coding change: c.413-267A>G on transcript NM_001256545.2 (MANE Select); 267 bases into the intron before coding-DNA position 413, A replaced by G.
Molecular consequence: intron variant.
Genome position (GRCh38, 1-based): chr5:127,396,265, A>G. VCF-style: chr5-127396265-A-G. GRCh37 (hg19) VCF-style: chr5-126731957-A-G.
Other names: c.413-267A>G (NM_032446.3, NM_001308119.2, NM_001308121.2).
Identifiers: ClinVar variation 672729 (VCV000672729.1), dbSNP rs76602283, ClinGen allele CA126929552.